The following is an entry in ClinVar:

ClinVar aggregate classification (germline): Uncertain significance (1 of 4 stars; one submission).

Conditions:
Cataract 1 multiple types. Also called: CATARACT, DUFFY-LINKED; CATARACT 1, POSTERIOR SUBCAPSULAR, WITH MICROCORNEA; CATARACT 1, STELLATE NUCLEAR, WITH MICROCORNEA; CATARACT 1, MULTIPLE TYPES, WITH OR WITHOUT MICROCORNEA; CATARACT 1, NUCLEAR PROGRESSIVE; CATARACT 1 WITH MICROCORNEA. Identifiers: Orphanet 1377, MedGen C1861828, MONDO:0007285, OMIM 116200.

Submission:

Dept. Genetics and Cancer, Menzies Institute for Medical Research, University of Tasmania
Classification: Uncertain significance for Cataract 1 multiple types. Last evaluated: 2023-01-21. Review status: criteria provided, single submitter. Criteria: ACMG Guidelines, 2015. Collection method: curation. Allele origin: germline. Affected: yes.
Comment: Variant identified and curated during a GJA8 specific review of the literature in relation to pediatric or congenital cataract. ACMG-AMP criteria applied: PP1(Moderate), PM1(Supporting), PM2(Supporting), PP3. Original variant report: PMID:35726576. The cataract phenotype reported for this variant is: Nuclear. Note: family with two GJA8 variants p.(Trp4Cys)+p.(Val20Ile) cosegregate in cis through a multigenerational family with eight affected individuals. Gene review and curation guidelines are outlined in: DOI 10.1080/17469899.2023.2160320

Literature cited by the submitters: PubMed 35726576.

NM_005267.5(GJA8):c.12G>C (p.Trp4Cys)

Gene: GJA8 (gap junction protein alpha 8; plus strand). Cytogenetic location: 1q21.2.
Variant type: single nucleotide variant.
Coding change: c.12G>C on transcript NM_005267.5 (MANE Select); coding-DNA position 12, G replaced by C.
Protein change: p.Trp4Cys; replaces tryptophan 4 with cysteine.
Molecular consequence: missense variant.
Genome position (GRCh38, 1-based): chr1:147,907,967, G>C. VCF-style: chr1-147907967-G-C. GRCh37 (hg19) VCF-style: chr1-147380094-G-C.
Other names: short protein forms W4C.
Identifiers: ClinVar variation 3253704 (VCV003253704.1), dbSNP rs2524888242.